The following is an entry in ClinVar:

ClinVar aggregate classification (germline): Uncertain significance (1 of 4 stars; one submission).

Submission:

Ambry Genetics
Classification: Uncertain significance. Last evaluated: 2024-03-19. Review status: criteria provided, single submitter. Criteria: Ambry Variant Classification Scheme 2023. Collection method: clinical testing. Allele origin: germline.
Comment: The p.A262V variant (also known as c.785C>T), located in coding exon 1 of the EGLN2 gene, results from a C to T substitution at nucleotide position 785. The alanine at codon 262 is replaced by valine, an amino acid with similar properties. This amino acid position is conserved. In addition, this alteration is predicted to be tolerated by in silico analysis. Based on the available evidence, the clinical significance of this alteration remains unclear.

NM_080732.4(EGLN2):c.785C>T (p.Ala262Val)

Genes: EGLN2 (egl-9 family hypoxia inducible factor 2; plus strand), RAB4B-EGLN2 (RAB4B-EGLN2 readthrough (NMD candidate); plus strand). Cytogenetic location: 19q13.2.
Variant type: single nucleotide variant.
Coding change: c.785C>T on transcript NM_080732.4 (MANE Select); coding-DNA position 785, C replaced by T.
Protein change: p.Ala262Val; replaces alanine 262 with valine.
Molecular consequence: missense variant. On other transcripts: non-coding transcript variant (1).
Genome position (GRCh38, 1-based): chr19:40,801,357, C>T. VCF-style: chr19-40801357-C-T. GRCh37 (hg19) VCF-style: chr19-41307262-C-T.
Other names: c.785C>T, p.Ala262Val (NM_053046.4); short protein forms A262V.
Identifiers: ClinVar variation 3274816 (VCV003274816.1).
Genomic context (GRCh38, chr19:40,801,357, plus strand): 5'-GGGTGGAAGGCCATGAACCAGGCTGTCGAAGCATTGGTGCCCTCATGGCCCATGTGGACG[C>T]CGTCATCCGCCACTGCGCAGGGCGGCTGGGCAGCTATGTCATCAACGGGCGCACCAAGGT-3'
Protein context (NP_542770.2, residues 252-272): SIGALMAHVD[Ala262Val]VIRHCAGRLG